The following is an entry in ClinVar:

NM_004370.6(COL12A1):c.8219C>A (p.Thr2740Lys)

Gene: COL12A1 (collagen type XII alpha 1 chain; minus strand). Cytogenetic location: 6q13.
Variant type: single nucleotide variant.
Coding change: c.8219C>A on transcript NM_004370.6 (MANE Select); coding-DNA position 8219, C replaced by A.
Protein change: p.Thr2740Lys; replaces threonine 2740 with lysine.
Molecular consequence: missense variant.
Genome position (GRCh38, 1-based): chr6:75,105,252, G>T on the plus strand (C>A on the coding strand, the complement: COL12A1 is on the minus strand). VCF-style: chr6-75105252-G-T. GRCh37 (hg19) VCF-style: chr6-75814968-G-T.
Other names: c.8219C>A, p.Thr2740Lys (NM_001424113.1); c.8198C>A, p.Thr2733Lys (NM_001424114.1); c.7946C>A, p.Thr2649Lys (NM_001424115.1); c.4727C>A, p.Thr1576Lys (NM_001424116.1, NM_080645.3); short protein forms T1576K, T2649K, T2733K, T2740K.
Identifiers: ClinVar variation 3066370 (VCV003066370.1), dbSNP rs1768492753, ClinGen allele CA364740541.
Genomic context (GRCh38, chr6:75,105,252, plus strand): 5'-TTCAATTTCCTTACTGCAGGGCCTGGAGGTCCTGGAGGTCCAACGCTGTCCTGTGTACAT[G>T]TGCAAGAATTTGGAAAAGCAGGGCATTTTCCCTCATCTCTCTGAAATTTTGAAAAGAATA-3'
Protein context (NP_004361.3, residues 2730-2750): GKCPAFPNSC[Thr2740Lys]CTQDSVGPPG

ClinVar aggregate classification (germline): Uncertain significance (1 of 4 stars; one submission).

Conditions:
Bethlem myopathy 2 (BTHLM2). Identifiers: Orphanet 536516, Orphanet 610, MedGen C4225313, MONDO:0034022, OMIM 616471.

Submission:

MVZ Medizinische Genetik Mainz
Classification: Uncertain significance for Bethlem myopathy 2. Last evaluated: 2022-05-10. Review status: criteria provided, single submitter. Criteria: UK Practice Guidelines For Variant Classification V4 01 2020. Collection method: clinical testing. Allele origin: germline. Inheritance: Autosomal dominant inheritance. Affected: yes. Observed: 1 variant allele.
Comment: ACMG Criteria: PM2_SUP, PP3, PP4